The following is an entry in ClinVar:

NM_014795.4(ZEB2):c.2256G>A (p.Thr752=)

Gene: ZEB2 (zinc finger E-box binding homeobox 2; minus strand). Cytogenetic location: 2q22.3.
Variant type: single nucleotide variant.
Coding change: c.2256G>A on transcript NM_014795.4 (MANE Select); coding-DNA position 2256, G replaced by A.
Protein change: p.Thr752=; no amino-acid change (threonine 752 retained).
Molecular consequence: synonymous variant.
Genome position (GRCh38, 1-based): chr2:144,398,931, C>T on the plus strand (G>A on the coding strand, the complement: ZEB2 is on the minus strand). VCF-style: chr2-144398931-C-T. GRCh37 (hg19) VCF-style: chr2-145156498-C-T.
Other names: c.2184G>A, p.Thr728= (NM_001171653.2).
Identifiers: ClinVar variation 378869 (VCV000378869.34), dbSNP rs772121083, ClinGen allele CA1898267.
Genomic context (GRCh38, chr2:144,398,931, plus strand): 5'-AACTGGTTTAATATTGGTAAAATGGGAAGGTTTTGTTAGCCTGAGAGGAGGATCACAATT[C>T]GTAACACTGTTGTGGAGTTCTGCTATAGATGGTGATGTTATGGAGTCCATAGGTTTTACA-3'
Protein context (NP_055610.1, residues 742-762): PSIAELHNSV[Thr752=]NCDPPLRLTK

ClinVar aggregate classification (germline): Likely benign. Review status: criteria provided, multiple submitters, no conflicts (2 of 4 stars). 6 submissions from 6 submitters: Likely benign (5). 1 of the submissions does not count toward it. Last evaluated 2025-06-30.

Conditions:
ZEB2-related disorder. Also called: ZEB2-related condition.
Inborn genetic diseases. Identifiers: MedGen C0950123, MeSH D030342.
Mowat-Wilson syndrome (MOWS). Also called: Classic Mowat-Wilson Syndrome. Identifiers: Orphanet 2152, MedGen C1856113, MONDO:0009341, OMIM 235730.

Allele frequency attached by ClinVar (database versions not stated): gnomAD 0.00001; gnomAD exomes 0.00001; ExAC 0.00002; TOPMed 0.00002.
gnomAD v4.1: 20 of 1,614,026 alleles (0.0012%); highest among the groups gnomAD compares: African/African-American, 0.0053%; no homozygotes.

Submissions (6):

Labcorp Genetics (formerly Invitae), Labcorp
Classification: Likely benign for Mowat-Wilson syndrome. Last evaluated: 2025-06-30. Review status: criteria provided, single submitter. Criteria: Invitae Variant Classification Sherloc (09022015). Collection method: clinical testing. Allele origin: germline.

CeGaT Center for Human Genetics Tuebingen
Classification: Likely benign. Last evaluated: 2024-03-01. Review status: criteria provided, single submitter. Criteria: CeGaT Center For Human Genetics Tuebingen Variant Classification Criteria Version 2. Collection method: clinical testing. Allele origin: germline. Affected: yes. Observed: 1 variant allele.
Comment: ZEB2: BP4, BP7

Fulgent Genetics
Classification: Likely benign for Mowat-Wilson syndrome. Last evaluated: 2022-04-04. Review status: criteria provided, single submitter. Criteria: ACMG Guidelines, 2015. Collection method: clinical testing. Allele origin: unknown.

Ambry Genetics
Classification: Likely benign for Inborn genetic diseases. Last evaluated: 2018-07-31. Review status: criteria provided, single submitter. Criteria: Ambry Variant Classification Scheme 2023. Collection method: clinical testing. Allele origin: germline.

GeneDx
Classification: Likely benign. Last evaluated: 2018-03-08. Review status: criteria provided, single submitter. Criteria: GeneDx Variant Classification (06012015). Collection method: clinical testing. Allele origin: germline. Affected: yes.
Comment: This variant is considered likely benign or benign based on one or more of the following criteria: it is a conservative change, it occurs at a poorly conserved position in the protein, it is predicted to be benign by multiple in silico algorithms, and/or has population frequency not consistent with disease.

PreventionGenetics, part of Exact Sciences
Classification: Likely benign for ZEB2-related condition. Last evaluated: 2019-02-21. Review status: no assertion criteria provided. Collection method: clinical testing. Allele origin: germline. Not counted in ClinVar's aggregate classification.
Comment: This variant is classified as likely benign based on ACMG/AMP sequence variant interpretation guidelines (Richards et al. 2015 PMID: 25741868, with internal and published modifications).